The following is an entry in ClinVar:

NM_000052.7(ATP7A):c.3969T>A (p.Asp1323Glu)

Gene: ATP7A (ATPase copper transporting alpha; plus strand). Cytogenetic location: Xq21.1.
Variant type: single nucleotide variant.
Coding change: c.3969T>A on transcript NM_000052.7 (MANE Select); coding-DNA position 3969, T replaced by A.
Protein change: p.Asp1323Glu; replaces aspartic acid 1323 with glutamic acid.
Molecular consequence: missense variant. On other transcripts: non-coding transcript variant (1).
Genome position (GRCh38, 1-based): chrX:78,042,752, T>A. VCF-style: chrX-78042752-T-A. GRCh37 (hg19) VCF-style: chrX-77298250-T-A.
Other names: c.3735T>A, p.Asp1245Glu (NM_001282224.2); short protein forms D1323E, D1245E.
Identifiers: ClinVar variation 1977721 (VCV001977721.5), dbSNP rs369114635, ClinGen allele CA331109105.

ClinVar aggregate classification (germline): Uncertain significance (1 of 4 stars; one submission).

Conditions:
Menkes kinky-hair syndrome (MNK). Also called: Classic Menkes Disease; Copper transport disease; Menkes Disease. Identifiers: Orphanet 565, MedGen C0022716, MONDO:0010651, OMIM 309400.
X-linked distal spinal muscular atrophy type 3. Also called: NEURONOPATHY, DISTAL HEREDITARY MOTOR, X-LINKED; NEUROPATHY, DISTAL HEREDITARY MOTOR, X-LINKED; ATP7A-Related Distal Motor Neuropathy; SPINAL MUSCULAR ATROPHY, DISTAL, X-LINKED RECESSIVE. Identifiers: Orphanet 139557, MedGen C1845359, MONDO:0010338, OMIM 300489.
Cutis laxa, X-linked (OHS). Also called: EDS IX; Occipital horn syndrome. Identifiers: Orphanet 198, MedGen C0268353, MONDO:0010572, OMIM 304150.

Allele frequency attached by ClinVar (database versions not stated): TOPMed 0.00002; ESP Exome Variant Server 0.00009.
gnomAD v4.1: 1 of 1,211,616 alleles (0.000083%); highest among the groups gnomAD compares: African/African-American, 0.0017%; no homozygotes.

Submission:

Labcorp Genetics (formerly Invitae), Labcorp
Classification: Uncertain significance for X-linked distal spinal muscular atrophy type 3; Cutis laxa, X-linked; Menkes kinky-hair syndrome. Last evaluated: 2024-02-22. Review status: criteria provided, single submitter. Criteria: Invitae Variant Classification Sherloc (09022015). Collection method: clinical testing. Allele origin: germline.
Comment: This sequence change replaces aspartic acid, which is acidic and polar, with glutamic acid, which is acidic and polar, at codon 1323 of the ATP7A protein (p.Asp1323Glu). This variant is not present in population databases (gnomAD no frequency). This variant has not been reported in the literature in individuals affected with ATP7A-related conditions. ClinVar contains an entry for this variant (Variation ID: 1977721). Advanced modeling of protein sequence and biophysical properties (such as structural, functional, and spatial information, amino acid conservation, physicochemical variation, residue mobility, and thermodynamic stability) performed at Invitae indicates that this missense variant is not expected to disrupt ATP7A protein function with a negative predictive value of 95%. In summary, the available evidence is currently insufficient to determine the role of this variant in disease. Therefore, it has been classified as a Variant of Uncertain Significance.